The following is an entry in ClinVar:

NM_000426.4(LAMA2):c.1491T>C (p.Cys497=)

Gene: LAMA2 (laminin subunit alpha 2; plus strand). Cytogenetic location: 6q22.33.
Variant type: single nucleotide variant.
Coding change: c.1491T>C on transcript NM_000426.4 (MANE Select); coding-DNA position 1491, T replaced by C.
Protein change: p.Cys497=; no amino-acid change (cysteine 497 retained).
Molecular consequence: synonymous variant.
Genome position (GRCh38, 1-based): chr6:129,190,228, T>C. VCF-style: chr6-129190228-T-C. GRCh37 (hg19) VCF-style: chr6-129511373-T-C.
Other names: p.Cys497=; c.1491T>C, p.Cys497= (NM_001079823.2).
Identifiers: ClinVar variation 129433 (VCV000129433.26), dbSNP rs2306220, ClinGen allele CA153424.

ClinVar aggregate classification (germline): Benign/Likely benign. Review status: criteria provided, multiple submitters, no conflicts (2 of 4 stars). 10 submissions from 10 submitters: Benign (4); Likely benign (2). 4 of the submissions do not count toward it. Last evaluated 2026-02-04.

Conditions:
LAMA2-related muscular dystrophy (LAMA2-RD). Also called: Laminin alpha 2-related dystrophy. Identifiers: MedGen C5679788, MONDO:0100228.
Congenital muscular dystrophy due to partial LAMA2 deficiency. Identifiers: MedGen C1842898.

Allele frequency attached by ClinVar (database versions not stated): ESP Exome Variant Server 0.01199; gnomAD 0.01733 and 0.02116; TOPMed 0.02004; gnomAD exomes 0.02005 and 0.03186; ExAC 0.03234; 1000 Genomes Project 30x 0.05278; 1000 Genomes Project 0.05651.

Submissions (10):

Labcorp Genetics (formerly Invitae), Labcorp
Classification: Benign for LAMA2-related muscular dystrophy. Last evaluated: 2026-02-04. Review status: criteria provided, single submitter. Criteria: Invitae Variant Classification Sherloc (09022015). Collection method: clinical testing. Allele origin: germline.

Mayo Clinic Laboratories, Mayo Clinic
Classification: Benign. Last evaluated: 2018-12-05. Review status: criteria provided, single submitter. Criteria: ACMG Guidelines, 2015. Collection method: clinical testing. Allele origin: germline. Observed: 84 variant alleles.

Illumina Laboratory Services, Illumina
Classification: Benign for Congenital muscular dystrophy due to partial LAMA2 deficiency. Last evaluated: 2018-01-13. Review status: criteria provided, single submitter. Criteria: ICSL Variant Classification Criteria 13 December 2019. Collection method: clinical testing. Allele origin: germline.
Comment: This variant was observed in the ICSL laboratory as part of a predisposition screen in an ostensibly healthy population. It had not been previously curated by ICSL or reported in the Human Gene Mutation Database (HGMD: prior to June 1st, 2018), and was therefore a candidate for classification through an automated scoring system. Utilizing variant allele frequency, disease prevalence and penetrance estimates, and inheritance mode, an automated score was calculated to assess if this variant is too frequent to cause the disease. Based on the score and internal cut-off values, a variant classified as benign is not then subjected to further curation. The score for this variant resulted in a classification of benign for this disease.

GeneDx
Classification: Benign. Last evaluated: 2016-04-15. Review status: criteria provided, single submitter. Criteria: GeneDx Variant Classification (06012015). Collection method: clinical testing. Allele origin: germline. Affected: yes.
Comment: This variant is considered likely benign or benign based on one or more of the following criteria: it is a conservative change, it occurs at a poorly conserved position in the protein, it is predicted to be benign by multiple in silico algorithms, and/or has population frequency not consistent with disease.

Breakthrough Genomics
Classification: Likely benign. Review status: criteria provided, single submitter. Criteria: ACMG Guidelines, 2015. Collection method: not provided. Allele origin: germline. Inheritance: Autosomal recessive inheritance. Affected: yes.

PreventionGenetics, part of Exact Sciences
Classification: Likely benign. Review status: criteria provided, single submitter. Criteria: ACMG Guidelines, 2015. Collection method: clinical testing. Allele origin: germline.

Clinical Genetics, Academic Medical Center
Classification: Likely benign. Review status: no assertion criteria provided. Collection method: clinical testing. Allele origin: germline. Affected: yes. Study: VKGL Data-share Consensus. Not counted in ClinVar's aggregate classification.

Genetic Services Laboratory, University of Chicago
Classification: Likely benign for AllHighlyPenetrant. Review status: no assertion criteria provided. Collection method: clinical testing. Allele origin: germline. Inheritance: Autosomal recessive inheritance. Not counted in ClinVar's aggregate classification.
Comment: Likely benign based on allele frequency in 1000 Genomes Project or ESP global frequency and its presence in a patient with a rare or unrelated disease phenotype. NOT Sanger confirmed.

Joint Genome Diagnostic Labs from Nijmegen and Maastricht, Radboudumc and MUMC+
Classification: Benign. Review status: no assertion criteria provided. Collection method: clinical testing. Allele origin: germline. Affected: yes. Study: VKGL Data-share Consensus. Not counted in ClinVar's aggregate classification.

Laboratory of Diagnostic Genome Analysis, Leiden University Medical Center (LUMC)
Classification: Likely benign. Review status: no assertion criteria provided. Collection method: clinical testing. Allele origin: germline. Affected: yes. Study: VKGL Data-share Consensus. Not counted in ClinVar's aggregate classification.